The following is an entry in ClinVar:

NM_058246.4(DNAJB6):c.271T>C (p.Phe91Leu)

Gene: DNAJB6 (DnaJ heat shock protein family (Hsp40) member B6; plus strand). Cytogenetic location: 7q36.3.
Variant type: single nucleotide variant.
Coding change: c.271T>C on transcript NM_058246.4 (MANE Select); coding-DNA position 271, T replaced by C.
Protein change: p.Phe91Leu; replaces phenylalanine 91 with leucine.
Molecular consequence: missense variant.
Genome position (GRCh38, 1-based): chr7:157,367,408, T>C. VCF-style: chr7-157367408-T-C. GRCh37 (hg19) VCF-style: chr7-157160102-T-C.
Other names: c.271T>C, p.Phe91Leu (NM_001363676.1, NM_005494.3); short protein forms F91L.
Identifiers: ClinVar variation 1322758 (VCV001322758.12), dbSNP rs869320701, ClinGen allele CA370166104.

ClinVar aggregate classification (germline): Pathogenic. Review status: criteria provided, multiple submitters, no conflicts (2 of 4 stars). 3 submissions from 3 submitters: Pathogenic (3). Last evaluated 2024-03-27.

Conditions:
Autosomal dominant limb-girdle muscular dystrophy type 1D (DNAJB6) (LGMDD1). Also called: MUSCULAR DYSTROPHY, LIMB-GIRDLE, TYPE 1D; MUSCULAR DYSTROPHY, AUTOSOMAL DOMINANT, WITH RIMMED VACUOLES; Autosomal dominant limb-girdle muscular dystrophy type 1D; Muscular dystrophy, limb-girdle, autosomal dominant 1. Identifiers: Orphanet 34516, MedGen C4721885, MONDO:0021018, OMIM 603511.

Submissions (3):

Kariminejad - Najmabadi Pathology & Genetics Center
Classification: Pathogenic for Autosomal dominant limb-girdle muscular dystrophy type 1D (DNAJB6). Last evaluated: 2024-03-27. Review status: criteria provided, single submitter. Criteria: ACMG Guidelines, 2015. Collection method: clinical testing. Allele origin: germline. Inheritance: Autosomal dominant inheritance. Affected: yes.
Comment: PS1_ST,PS3_M,PM2_M,PM5_M

Labcorp Genetics (formerly Invitae), Labcorp
Classification: Pathogenic for Autosomal dominant limb-girdle muscular dystrophy type 1D (DNAJB6). Last evaluated: 2024-02-24. Review status: criteria provided, single submitter. Criteria: Invitae Variant Classification Sherloc (09022015). Collection method: clinical testing. Allele origin: germline.
Comment: This sequence change replaces phenylalanine, which is neutral and non-polar, with leucine, which is neutral and non-polar, at codon 91 of the DNAJB6 protein (p.Phe91Leu). This variant is not present in population databases (gnomAD no frequency). This missense change has been observed in individual(s) with limb-girdle muscular dystrophy (PMID: 26205529, 26338452, 26371419). In at least one individual the variant was observed to be de novo. It has also been observed to segregate with disease in related individuals. ClinVar contains an entry for this variant (Variation ID: 1322758). Advanced modeling of protein sequence and biophysical properties (such as structural, functional, and spatial information, amino acid conservation, physicochemical variation, residue mobility, and thermodynamic stability) performed at Invitae indicates that this missense variant is expected to disrupt DNAJB6 protein function with a positive predictive value of 80%. Experimental studies have shown that this missense change affects DNAJB6 function (PMID: 26338452, 26371419). For these reasons, this variant has been classified as Pathogenic.

Revvity Omics, Revvity
Classification: Pathogenic for Autosomal dominant limb-girdle muscular dystrophy type 1D (DNAJB6). Last evaluated: 2019-10-03. Review status: criteria provided, single submitter. Criteria: ACMG Guidelines, 2015. Collection method: clinical testing. Allele origin: germline.

Literature cited by the submitters: PubMed 26205529 (cited by Labcorp Genetics (formerly Invitae), Labcorp); PubMed 26338452 (cited by Labcorp Genetics (formerly Invitae), Labcorp); PubMed 26371419 (cited by Labcorp Genetics (formerly Invitae), Labcorp).